The following is an entry in ClinVar:

ClinVar aggregate classification (germline): Pathogenic. Review status: criteria provided, single submitter (1 of 4 stars). 2 submissions from 2 submitters: Pathogenic (1). 1 of the submissions does not count toward it. Last evaluated 2023-10-05.

Conditions:
NOTCH3-related disorder. Also called: NOTCH3-related disorders; NOTCH3-related condition.

Submissions (2):

Athena Diagnostics
Classification: Pathogenic. Last evaluated: 2023-10-05. Review status: criteria provided, single submitter. Criteria: Athena Diagnostics Criteria. Collection method: clinical testing. Allele origin: unknown.
Comment: This variant has been identified in at least one individual with CADASIL. This variant has not been reported in large, multi-ethnic general populations. This variant alters a critical location within the protein, and is expected to severely affect function and cause disease. Greater than 90% of NOTCH3 pathogenic variants associated with CADASIL involve the gain or loss of a cysteine residue within the epidermal growth factor (EGF)-like repeat domain (PMID: 32457593, 20301673).

PreventionGenetics, part of Exact Sciences
Classification: Likely pathogenic for NOTCH3-related condition. Last evaluated: 2024-08-02. Review status: no assertion criteria provided. Collection method: clinical testing. Allele origin: germline. Not counted in ClinVar's aggregate classification.
Comment: The NOTCH3 c.1019G>A variant is predicted to result in the amino acid substitution p.Cys340Tyr. This variant was reported in an individual with CADASIL (Mosca et al. 2014. PubMed ID: 24816653). This variant has not been reported in a large population database, indicating this variant is rare. Most CADASIL causing variants in the NOTCH3 gene result in the gain or loss of one or more cysteine residues in the extracellular domain of the protein, as seen in this patient. This patient’s variant alters a cysteine residue and is located in the extracellular EGF-like domain eight. Pathogenic variants in EGF-like domains 1-6 appear to be fully penetrant and are usually associated with the classical CADASIL phenotype. However, there is variability in disease severity. Pathogenic variants in EGF-like domains 7-34 have a much higher population frequency, and can predispose to a milder small-vessel disease, possibly even displaying incomplete or at least very late onset complete penetrance (OMIM #125310; Rutten et al. 2016. PubMed ID: 27844030; Rutten et al. 2019. PubMed ID: 30032161). This variant is interpreted as likely pathogenic.

Literature cited by the submitters: PubMed 24816653 (cited by Athena Diagnostics).

NM_000435.3(NOTCH3):c.1019G>A (p.Cys340Tyr)

Gene: NOTCH3 (notch receptor 3; minus strand). Cytogenetic location: 19p13.12.
Variant type: single nucleotide variant.
Coding change: c.1019G>A on transcript NM_000435.3 (MANE Select); coding-DNA position 1019, G replaced by A.
Protein change: p.Cys340Tyr; replaces cysteine 340 with tyrosine.
Molecular consequence: missense variant.
Genome position (GRCh38, 1-based): chr19:15,191,441, C>T on the plus strand (G>A on the coding strand, the complement: NOTCH3 is on the minus strand). VCF-style: chr19-15191441-C-T. GRCh37 (hg19) VCF-style: chr19-15302252-C-T.
Other names: short protein forms C340Y.
Identifiers: ClinVar variation 3347760 (VCV003347760.2).
Genomic context (GRCh38, chr19:15,191,441, plus strand): 5'-TAAAAACCATCCATGGCTCCCTGCAGAGAAAACGGCCACTCACCAGTCTTGCCCATGGGG[C>T]AGGCACAGTAGAAAGAAGCCACGCGGTCATGGCAGGTGGCCCCATGGAAGCACACGGCTG-3'
Protein context (NP_000426.2, residues 330-350): HDRVASFYCA[Cys340Tyr]PMGKTGLLCH